The following is an entry in ClinVar:

ClinVar aggregate classification (germline): Likely benign. Review status: criteria provided, multiple submitters, no conflicts (2 of 4 stars). 3 submissions from 3 submitters: Likely benign (3). Last evaluated 2025-10-01.

Conditions:
Megalencephaly-polymicrogyria-postaxial polydactyly-hydrocephalus syndrome. Also called: MEG-PMG-MEGACC SYNDROME; MPPH Syndrome. Identifiers: Orphanet 83473, MedGen C1863924, MONDO:0019375.

Allele frequency attached by ClinVar (database versions not stated): gnomAD exomes 0.00001 and 0.00002; TOPMed 0.00005; gnomAD 0.00012 and 0.00013.
gnomAD v4.1: 30 of 1,558,536 alleles (0.0019%); highest among the groups gnomAD compares: African/African-American, 0.031%; 1 homozygote.

Submissions (3):

CeGaT Center for Human Genetics Tuebingen
Classification: Likely benign. Last evaluated: 2025-10-01. Review status: criteria provided, single submitter. Criteria: CeGaT Center For Human Genetics Tuebingen Variant Classification Criteria Version 2. Collection method: clinical testing. Allele origin: germline. Affected: yes. Observed: 1 variant allele.
Comment: PIK3R2: BP4, BP7

Labcorp Genetics (formerly Invitae), Labcorp
Classification: Likely benign for Megalencephaly-polymicrogyria-postaxial polydactyly-hydrocephalus syndrome. Last evaluated: 2022-09-07. Review status: criteria provided, single submitter. Criteria: Invitae Variant Classification Sherloc (09022015). Collection method: clinical testing. Allele origin: germline.

Blueprint Genetics
Classification: Likely benign. Last evaluated: 2022-04-05. Review status: criteria provided, single submitter. Criteria: ACMG Guidelines, 2015. Collection method: clinical testing. Allele origin: germline.

NM_005027.4(PIK3R2):c.126C>T (p.Gly42=)

Gene: PIK3R2 (phosphoinositide-3-kinase regulatory subunit 2; plus strand). Cytogenetic location: 19p13.11.
Variant type: single nucleotide variant.
Coding change: c.126C>T on transcript NM_005027.4 (MANE Select); coding-DNA position 126, C replaced by T.
Protein change: p.Gly42=; no amino-acid change (glycine 42 retained).
Molecular consequence: synonymous variant. On other transcripts: non-coding transcript variant (2).
Genome position (GRCh38, 1-based): chr19:18,156,005, C>T. VCF-style: chr19-18156005-C-T. GRCh37 (hg19) VCF-style: chr19-18266815-C-T.
Identifiers: ClinVar variation 1404826 (VCV001404826.13), dbSNP rs893028434, ClinGen allele CA306163945.